The following is an entry in ClinVar:

NM_001191058.4(PDE1C):c.179G>C (p.Gly60Ala)

Gene: PDE1C (phosphodiesterase 1C; minus strand). Cytogenetic location: 7p14.3.
Variant type: single nucleotide variant.
Coding change: c.179G>C on transcript NM_001191058.4; coding-DNA position 179, G replaced by C.
Protein change: p.Gly60Ala; replaces glycine 60 with alanine.
Molecular consequence: missense variant.
Genome position (GRCh38, 1-based): chr7:32,169,914, C>G on the plus strand (G>C on the coding strand, the complement: PDE1C is on the minus strand). VCF-style: chr7-32169914-C-G. GRCh37 (hg19) VCF-style: chr7-32209526-C-G.
Other names: c.179G>C, p.Gly60Ala (NM_001322058.2); c.404G>C, p.Gly135Ala (NM_001322059.2); short protein forms G135A, G60A.
Identifiers: ClinVar variation 4885021 (VCV004885021.2).

ClinVar aggregate classification (germline): Uncertain significance (1 of 4 stars; one submission).

Submission:

Dasa
Classification: Uncertain significance. Last evaluated: 2025-08-06. Review status: criteria provided, single submitter. Criteria: DASA Assertion Criteria. Collection method: clinical testing. Allele origin: germline.
Comment: NM_001191058.4(PDE1C):c.179G>C (p.Gly60Ala) is a missense variant that results in the substitution of glycine with alanine. This variant is absent from population databases. The currently available literature and clinical evidence are not sufficient to establish a definitive association between this variant and the reported condition. Therefore, this variant is classified as a variant of uncertain significance.